The following is an entry in ClinVar:

NM_001852.4(COL9A2):c.389C>T (p.Pro130Leu)

Gene: COL9A2 (collagen type IX alpha 2 chain; minus strand). Cytogenetic location: 1p34.2.
Variant type: single nucleotide variant.
Coding change: c.389C>T on transcript NM_001852.4 (MANE Select); coding-DNA position 389, C replaced by T.
Protein change: p.Pro130Leu; replaces proline 130 with leucine.
Molecular consequence: missense variant.
Genome position (GRCh38, 1-based): chr1:40,312,087, G>A on the plus strand (C>T on the coding strand, the complement: COL9A2 is on the minus strand). VCF-style: chr1-40312087-G-A. GRCh37 (hg19) VCF-style: chr1-40777759-G-A.
Other names: short protein forms P130L.
Identifiers: ClinVar variation 2090517 (VCV002090517.4), dbSNP rs1644137883, ClinGen allele CA339856626.

ClinVar aggregate classification (germline): Uncertain significance (1 of 4 stars; one submission).

Allele frequency attached by ClinVar (database versions not stated): gnomAD exomes below 0.00001.
gnomAD v4.1: 2 of 1,602,682 alleles (0.00012%); highest among the groups gnomAD compares: African/African-American, 0.0027%; no homozygotes.

Submission:

Labcorp Genetics (formerly Invitae), Labcorp
Classification: Uncertain significance. Last evaluated: 2022-01-27. Review status: criteria provided, single submitter. Criteria: Invitae Variant Classification Sherloc (09022015). Collection method: clinical testing. Allele origin: germline.
Comment: In summary, the available evidence is currently insufficient to determine the role of this variant in disease. Therefore, it has been classified as a Variant of Uncertain Significance. Advanced modeling of protein sequence and biophysical properties (such as structural, functional, and spatial information, amino acid conservation, physicochemical variation, residue mobility, and thermodynamic stability) performed at Invitae indicates that this missense variant is not expected to disrupt COL9A2 protein function. This variant has not been reported in the literature in individuals affected with COL9A2-related conditions. This variant is not present in population databases (gnomAD no frequency). This sequence change replaces proline, which is neutral and non-polar, with leucine, which is neutral and non-polar, at codon 130 of the COL9A2 protein (p.Pro130Leu).